The following is an entry in ClinVar:

NM_080680.3(COL11A2):c.4991T>C (p.Leu1664Pro)

Gene: COL11A2 (collagen type XI alpha 2 chain; minus strand). Cytogenetic location: 6p21.32.
Variant type: single nucleotide variant.
Coding change: c.4991T>C on transcript NM_080680.3 (MANE Select); coding-DNA position 4991, T replaced by C.
Protein change: p.Leu1664Pro; replaces leucine 1664 with proline.
Molecular consequence: missense variant.
Genome position (GRCh38, 1-based): chr6:33,164,346, A>G on the plus strand (T>C on the coding strand, the complement: COL11A2 is on the minus strand). VCF-style: chr6-33164346-A-G. GRCh37 (hg19) VCF-style: chr6-33132123-A-G.
Other names: c.4811T>C, p.Leu1604Pro (NM_001424108.1); c.4145T>C, p.Leu1382Pro (NM_001424109.1); c.3965T>C, p.Leu1322Pro (NM_001424110.1, NM_001424111.1); c.2945T>C, p.Leu982Pro (NM_001424112.1); c.4670T>C, p.Leu1557Pro (NM_080679.3); c.4733T>C, p.Leu1578Pro (NM_080681.3); short protein forms L1322P, L1382P, L1557P, L1578P, L1604P, L1664P, L982P.
Identifiers: ClinVar variation 3376722 (VCV003376722.2).

ClinVar aggregate classification (germline): Conflicting classifications of pathogenicity. Review status: criteria provided, conflicting classifications (1 of 4 stars). 2 submissions from 2 submitters: Uncertain significance (1); Likely benign (1). Last evaluated 2025-06-24.

Conditions:
Autosomal dominant nonsyndromic hearing loss 13. Identifiers: Orphanet 90635, MedGen C1866095, MONDO:0011159, OMIM 601868.

gnomAD v4.1: 26 of 1,612,710 alleles (0.0016%); highest among the groups gnomAD compares: Non-Finnish European, 0.0022%; no homozygotes.

Submissions (2):

Labcorp Genetics (formerly Invitae), Labcorp
Classification: Likely benign. Last evaluated: 2025-06-24. Review status: criteria provided, single submitter. Criteria: Invitae Variant Classification Sherloc (09022015). Collection method: clinical testing. Allele origin: germline.

Victorian Clinical Genetics Services, Murdoch Childrens Research Institute
Classification: Uncertain significance for Autosomal dominant nonsyndromic hearing loss 13. Last evaluated: 2023-07-17. Review status: criteria provided, single submitter. Criteria: ACMG Guidelines, 2015. Collection method: clinical testing. Allele origin: germline. Inheritance: Autosomal dominant inheritance. Affected: no.
Comment: Based on the classification scheme VCGS_Germline_v1.3.4, this variant is classified as VUS-3B. Following criteria are met: 0102 - Loss of function is a known mechanism of disease in this gene and is associated with COL11A2-related conditions. Dominant negative may also be a mechanism of disease in this gene associated with missense variants affecting Gly residues of GXY repeats (PMIDs: 16033917, 35741851). (I) 0108 - This gene is associated with both recessive and dominant disease (OMIM). (I) 0200 - Variant is predicted to result in a missense amino acid change from leucine to proline. (I) 0251 - This variant is heterozygous. (I) 0304 - Variant is present in gnomAD (v2 & v3) <0.01 (2 heterozygotes, 0 homozygotes). (SP) 0502 - Missense variant with conflicting in silico predictions and uninformative conservation. (I) 0600 - Variant is located in the annotated fibrillar collagen NC1 domain (PMID: 25633957). (I) 0705 - No comparable missense variants have previous evidence for pathogenicity. (I) 0807 - This variant has no previous evidence of pathogenicity. (I) 0905 - No published segregation evidence has been identified for this variant. (I) 1007 - No published functional evidence has been identified for this variant. (I) 1208 - Inheritance information for this variant is not currently available in this individual. (I) Legend: (SP) - Supporting pathogenic, (I) - Information, (SB) - Supporting benign

Literature cited by the submitters: PubMed 16033917 (cited by Victorian Clinical Genetics Services, Murdoch Childrens Research Institute); PubMed 25633957 (cited by Victorian Clinical Genetics Services, Murdoch Childrens Research Institute); PubMed 35741851 (cited by Victorian Clinical Genetics Services, Murdoch Childrens Research Institute).